The following is an entry in ClinVar:

NM_033305.3(VPS13A):c.231delinsGTCGAGGCTGATAGCGAGCT (p.Pro78fs)

Gene: VPS13A (vacuolar protein sorting 13 homolog A; plus strand). Cytogenetic location: 9q21.2.
Variant type: Indel.
Coding change: c.231delinsGTCGAGGCTGATAGCGAGCT on transcript NM_033305.3 (MANE Select); coding-DNA position 231, A replaced by GTCGAGGCTGATAGCGAGCT.
Protein change: p.Pro78fs; shifts the reading frame from proline 78.
Molecular consequence: frameshift variant.
Genome position (GRCh38, 1-based): chr9:77,205,356, A replaced by GTCGAGGCTGATAGCGAGCT. VCF-style: chr9-77205356-A-GTCGAGGCTGATAGCGAGCT. GRCh37 (hg19) VCF-style: chr9-79820272-A-GTCGAGGCTGATAGCGAGCT.
Other names: c.231delinsGTCGAGGCTGATAGCGAGCT, p.Pro78fs (NM_001018037.2, NM_001018038.3, NM_015186.4); short protein forms P78fs.
Identifiers: ClinVar variation 5010632 (VCV005010632.1).

ClinVar aggregate classification (germline): Pathogenic (1 of 4 stars; one submission).

Conditions:
VPS13A-related neurodegenerative disease. Also called: ACANTHOCYTOSIS WITH NEUROLOGIC DISORDER; LEVINE-CRITCHLEY SYNDROME; Choreoacanthocytosis; Chorea-acanthocytosis; Choreaacanthocytosis; VPS13A Disease. Identifiers: Orphanet 2388, MedGen C0393576, MONDO:0008695, OMIM 200150.

Submission:

Myriad Genetics, Inc.
Classification: Pathogenic for VPS13A-related neurodegenerative disease. Last evaluated: 2024-05-14. Review status: criteria provided, single submitter. Criteria: Myriad Autosomal Dominant, Autosomal Recessive and X-Linked Classification Criteria (2023). Collection method: clinical testing. Allele origin: unknown.
Comment: NM_033305.2(VPS13A):c.231del1ins20(P78Sfs*9) is expected to be pathogenic in the context of VPS13A disease. This variant is predicted to lead to an abnormal or absent protein product due to the creation of a premature termination codon in VPS13A, a gene where loss-of-function variants are known to be pathogenic. Please note: this variant was assessed in the context of healthy population screening.